The following is an entry in ClinVar:

NM_002878.4(RAD51D):c.131G>C (p.Gly44Ala)

Genes: RAD51D (RAD51 paralog D; minus strand), RAD51L3-RFFL (RAD51L3-RFFL readthrough; minus strand). Cytogenetic location: 17q12.
Variant type: single nucleotide variant.
Coding change: c.131G>C on transcript NM_002878.4 (MANE Select); coding-DNA position 131, G replaced by C.
Protein change: p.Gly44Ala; replaces glycine 44 with alanine.
Molecular consequence: missense variant. On other transcripts: non-coding transcript variant (2).
Genome position (GRCh38, 1-based): chr17:35,119,124, C>G on the plus strand (G>C on the coding strand, the complement: RAD51D is on the minus strand). VCF-style: chr17-35119124-C-G. GRCh37 (hg19) VCF-style: chr17-33446143-C-G.
Other names: c.131G>C, p.Gly44Ala (NM_001142571.2, NM_133629.3); short protein forms G44A.
Identifiers: ClinVar variation 410546 (VCV000410546.17), dbSNP rs374730714, ClinGen allele CA16615338.

ClinVar aggregate classification (germline): Uncertain significance. Review status: criteria provided, multiple submitters, no conflicts (2 of 4 stars). 5 submissions from 5 submitters: Uncertain significance (5). Last evaluated 2026-09-01.

Conditions:
RAD51D-related disorder. Also called: RAD51D-related condition.
Hereditary cancer-predisposing syndrome. Also called: Neoplastic Syndromes, Hereditary; Tumor predisposition; Hereditary Cancer Syndrome; Hereditary neoplastic syndrome. Identifiers: Orphanet 140162, MedGen C0027672, MeSH D009386, MONDO:0015356.
Breast-ovarian cancer, familial, susceptibility to, 4. Identifiers: Orphanet 145, MedGen C3280345, MONDO:0013669, OMIM 614291.

gnomAD v4.1: 17 of 1,613,740 alleles (0.0011%); highest among the groups gnomAD compares: Non-Finnish European, 0.0014%; no homozygotes.

Submissions (5):

PreventionGenetics, part of Exact Sciences
Classification: Uncertain significance for RAD51D-related condition. Last evaluated: 2026-09-01. Review status: criteria provided, single submitter. Criteria: ACMG Guidelines, 2015. Collection method: clinical testing. Allele origin: germline.
Comment: The RAD51D c.131G>C variant is predicted to result in the amino acid substitution p.Gly44Ala. This variant has been reported in the literature in an individual with ovarian cancer (Table A4, Song et al. 2015. PubMed ID: 26261251). This variant is absent in a large population database (gnomAD), indicating this variant is rare. This variant is interpreted as uncertain in ClinVar (Variation ID: 410546). At this time, the clinical significance of this variant is uncertain due to the absence of conclusive functional and genetic evidence.

Labcorp Genetics (formerly Invitae), Labcorp
Classification: Uncertain significance for Breast-ovarian cancer, familial, susceptibility to, 4. Last evaluated: 2025-12-21. Review status: criteria provided, single submitter. Criteria: Invitae Variant Classification Sherloc (09022015). Collection method: clinical testing. Allele origin: germline.
Comment: This sequence change replaces glycine, which is neutral and non-polar, with alanine, which is neutral and non-polar, at codon 44 of the RAD51D protein (p.Gly44Ala). This variant is not present in population databases (gnomAD no frequency). This missense change has been observed in individual(s) with ovarian cancer (PMID: 26261251). ClinVar contains an entry for this variant (Variation ID: 410546). An algorithm developed to predict the effect of missense changes on protein structure and function (PolyPhen-2) suggests that this variant is likely to be tolerated. In summary, the available evidence is currently insufficient to determine the role of this variant in disease. Therefore, it has been classified as a Variant of Uncertain Significance.

Ambry Genetics
Classification: Uncertain significance for Hereditary cancer-predisposing syndrome. Last evaluated: 2024-04-08. Review status: criteria provided, single submitter. Criteria: Ambry Variant Classification Scheme 2023. Collection method: clinical testing. Allele origin: germline.
Comment: The p.G44A variant (also known as c.131G>C), located in coding exon 2 of the RAD51D gene, results from a G to C substitution at nucleotide position 131. The glycine at codon 44 is replaced by alanine, an amino acid with similar properties. This alteration was identified in 1/3429 invasive epithelial ovarian cancer patients and in 0/2772 controls which had previously tested negative for mutations in BRCA1/BRCA2 (Song H et al. J. Clin. Oncol. 2015 Sep; 33(26):2901-7). This amino acid position is not well conserved in available vertebrate species. In addition, this alteration is predicted to be tolerated by in silico analysis. Based on the available evidence, the clinical significance of this variant remains unclear.

Women's Health and Genetics/Laboratory Corporation of America, LabCorp
Classification: Uncertain significance. Last evaluated: 2018-12-07. Review status: criteria provided, single submitter. Criteria: LabCorp Variant Classification Summary - May 2015. Collection method: clinical testing. Allele origin: germline.
Comment: Variant summary: The variant, RAD51D c.131G>C (p.Gly44Ala) results in a non-conservative amino acid change in the encoded protein sequence. Four of five in-silico tools predict a benign effect of the variant on protein function. The variant was absent in 251812 control chromosomes (gnomAD and Song _2015). The available data on variant occurrences in the general population are insufficient to allow any conclusion about variant significance. The variant, c.131G>C, has been reported in the literature in individuals affected with Hereditary Breast and Ovarian Cancer (Song _2015). However, this report does not provide unequivocal conclusions about association of the variant with Hereditary Breast and Ovarian Cancer. To our knowledge, no experimental evidence demonstrating an impact on protein function has been reported. Three clinical diagnostic laboratories have submitted clinical-significance assessments for this variant to ClinVar after 2014 without evidence for independent evaluation. All laboratories classified the variant as uncertain significance. Based on the evidence outlined above, the variant was classified as uncertain significance.

GeneDx
Classification: Uncertain significance. Last evaluated: 2016-09-21. Review status: criteria provided, single submitter. Criteria: GeneDx Variant Classification (06012015). Collection method: clinical testing. Allele origin: germline. Affected: yes.
Comment: This variant is denoted RAD51D c.131G>C at the cDNA level, p.Gly44Ala (G44A) at the protein level, and results in the change of a Glycine to an Alanine (GGC>GCC). This variant has not, to our knowledge, been published in the literature as pathogenic or benign. RAD51D Gly44Ala was not observed in approximately 6,500 individuals of European and African American ancestry in the NHLBI Exome Sequencing Project, suggesting it is not a common benign variant in these populations. Since Glycine and Alanine share similar properties, this is considered a conservative amino acid substitution. RAD51D Gly44Ala occurs at a position that is not conserved and is located in the region that preferentially binds ssDNA (Kim 2011, UniProt). In silico analyses are inconsistent regarding the effect this variant may have on protein structure and function. Based on currently available evidence, it is unclear whether RAD51D Gly44Ala is a pathogenic or benign variant. We consider it to be a variant of uncertain significance.

Literature cited by the submitters: PubMed 26261251 (cited by 3 submitters).